The following is an entry in ClinVar:

ClinVar aggregate classification (germline): Likely benign. Review status: criteria provided, multiple submitters, no conflicts (2 of 4 stars). 2 submissions from 2 submitters: Likely benign (2). Last evaluated 2025-06-04.

Conditions:
Ichthyosis linearis circumflexa. Identifiers: MedGen C0265962, MONDO:0043106, HP:0025810.
SPINK5-related disorder. Also called: SPINK5-related condition.

Allele frequency attached by ClinVar (database versions not stated): TOPMed 0.00001; gnomAD 0.00002.
gnomAD v4.1: 14 of 1,613,082 alleles (0.00087%); highest among the groups gnomAD compares: Non-Finnish European, 0.00093%; no homozygotes.

Submissions (2):

Labcorp Genetics (formerly Invitae), Labcorp
Classification: Likely benign for Ichthyosis linearis circumflexa. Last evaluated: 2025-06-04. Review status: criteria provided, single submitter. Criteria: Invitae Variant Classification Sherloc (09022015). Collection method: clinical testing. Allele origin: germline.

PreventionGenetics, part of Exact Sciences
Classification: Likely benign for SPINK5-related condition. Last evaluated: 2025-01-23. Review status: criteria provided, single submitter. Criteria: ACMG Guidelines, 2015. Collection method: clinical testing. Allele origin: germline.
Comment: This variant is classified as likely benign based on ACMG/AMP sequence variant interpretation guidelines (Richards et al. 2015 PMID: 25741868, with internal and published modifications).

NM_006846.4(SPINK5):c.1563T>C (p.Asp521=)

Gene: SPINK5 (serine peptidase inhibitor Kazal type 5; plus strand). Cytogenetic location: 5q32.
Variant type: single nucleotide variant.
Coding change: c.1563T>C on transcript NM_006846.4 (MANE Select); coding-DNA position 1563, T replaced by C.
Protein change: p.Asp521=; no amino-acid change (aspartic acid 521 retained).
Molecular consequence: synonymous variant.
Genome position (GRCh38, 1-based): chr5:148,107,120, T>C. VCF-style: chr5-148107120-T-C. GRCh37 (hg19) VCF-style: chr5-147486683-T-C.
Other names: c.1563T>C, p.Asp521= (NM_001127698.2, NM_001127699.2); c.1563T>C (NM_006846.3).
Identifiers: ClinVar variation 1655779 (VCV001655779.9), dbSNP rs767576981, ClinGen allele CA3495659.